The following is an entry in ClinVar:

ClinVar aggregate classification (germline): Pathogenic/Likely pathogenic. Review status: criteria provided, multiple submitters, no conflicts (2 of 4 stars). 2 submissions from 2 submitters: Pathogenic (1); Likely pathogenic (1). Last evaluated 2022-03-02.

Conditions:
Hereditary cancer-predisposing syndrome. Also called: Hereditary Cancer Syndrome; Hereditary neoplastic syndrome; Neoplastic Syndromes, Hereditary; Tumor predisposition. Identifiers: Orphanet 140162, MedGen C0027672, MeSH D009386, MONDO:0015356.

Submissions (2):

Sema4
Classification: Likely pathogenic for Hereditary cancer-predisposing syndrome. Last evaluated: 2022-03-02. Review status: criteria provided, single submitter. Criteria: Sema4 Curation Guidelines. Collection method: curation. Allele origin: germline.
Comment: To the best of our knowledge, the BARD1 c.740delC (p.S247LfsX8) variant has not been reported in individuals with BARD1-related disease. This variant causes a frameshift at amino acid 247 that results in premature termination 8 amino acids downstream. At this location, nonsense-mediated decay is predicted to occur, resulting in a loss of gene function. Loss of function variants in BARD1 are known to be pathogenic (PMID: 20077502). This variant is not reported in the population database Genome Aggregation Database (PMID: 32461654), nor has it been reported in ClinVar. Based on the current evidence available, this variant is interpreted as likely pathogenic.

Ambry Genetics
Classification: Pathogenic for Hereditary cancer-predisposing syndrome. Last evaluated: 2021-12-22. Review status: criteria provided, single submitter. Criteria: Ambry Variant Classification Scheme 2023. Collection method: clinical testing. Allele origin: germline.
Comment: The c.740delC pathogenic mutation, located in coding exon 4 of the BARD1 gene, results from a deletion of one nucleotide at nucleotide position 740, causing a translational frameshift with a predicted alternate stop codon (p.S247Lfs*8). This variant is considered to be rare based on population cohorts in the Genome Aggregation Database (gnomAD). This alteration is expected to result in loss of function by premature protein truncation or nonsense-mediated mRNA decay. As such, this alteration is interpreted as a disease-causing mutation.

Literature cited by the submitters: PubMed 20077502 (cited by Sema4).

NM_000465.4(BARD1):c.740del (p.Ser247fs)

Gene: BARD1 (BRCA1 associated RING domain 1; minus strand). Cytogenetic location: 2q35.
Variant type: Deletion.
Coding change: c.740del on transcript NM_000465.4 (MANE Select); coding-DNA position 740, one base deleted (C; older notation c.740delC).
Protein change: p.Ser247fs; shifts the reading frame from serine 247.
Molecular consequence: frameshift variant. On other transcripts: non-coding transcript variant (2), intron variant (3).
Genome position (GRCh38, 1-based): chr2:214,781,134, G deleted on the plus strand (C on the coding strand, the reverse complement: BARD1 is on the minus strand). VCF-style (leftmost placement, unchanged base first): chr2-214781133-AG-A. GRCh37 (hg19) VCF-style: chr2-215645857-AG-A.
Other names: c.683del, p.Ser228fs (NM_001282543.2); c.158+28278del (NM_001282548.2); c.215+15927del (NM_001282545.2); c.364+11163del (NM_001282549.2); short protein forms S228fs, S247fs.
Identifiers: ClinVar variation 1692449 (VCV001692449.3), dbSNP rs2106110712, ClinGen allele CA2573135158.